The following is an entry in ClinVar:

NM_000426.4(LAMA2):c.8815_8816del (p.Gln2939fs)

Gene: LAMA2 (laminin subunit alpha 2; plus strand). Cytogenetic location: 6q22.33.
Variant type: Deletion.
Coding change: c.8815_8816del on transcript NM_000426.4 (MANE Select); coding-DNA positions 8815 to 8816, 2 bases deleted (CA; older notation c.8815_8816delCA).
Protein change: p.Gln2939fs; shifts the reading frame from glutamine 2939.
Molecular consequence: frameshift variant.
Genome position (GRCh38, 1-based): chr6:129,507,600-129,507,601, CA deleted. VCF-style (leftmost placement, unchanged base first): chr6-129507599-TCA-T. GRCh37 (hg19) VCF-style: chr6-129828744-TCA-T.
Other names: c.8803_8804del, p.Gln2935fs (NM_001079823.2); short protein forms Q2935fs, Q2939fs.
Identifiers: ClinVar variation 5012352 (VCV005012352.1).

ClinVar aggregate classification (germline): Pathogenic (1 of 4 stars; one submission).

Conditions:
LAMA2-related muscular dystrophy (LAMA2-RD). Also called: Laminin alpha 2-related dystrophy. Identifiers: MedGen C5679788, MONDO:0100228.

Submission:

Myriad Genetics, Inc.
Classification: Pathogenic for LAMA2-related muscular dystrophy. Last evaluated: 2023-10-03. Review status: criteria provided, single submitter. Criteria: Myriad Autosomal Dominant, Autosomal Recessive and X-Linked Classification Criteria (2023). Collection method: clinical testing. Allele origin: unknown.
Comment: NM_000426.3(LAMA2):c.8815_8816delCA(Q2939Efs*6) is expected to be pathogenic in the context of muscular dystrophy, LAMA2-related. This variant is predicted to lead to an abnormal or absent protein product due to the creation of a premature termination codon in LAMA2, a gene where loss-of-function variants are known to be pathogenic. Please note: this variant was assessed in the context of healthy population screening.